The following is an entry in ClinVar:

ClinVar aggregate classification (germline): Uncertain significance. Review status: criteria provided, single submitter (1 of 4 stars). 2 submissions from 2 submitters: Uncertain significance (1). 1 of the submissions does not count toward it. Last evaluated 2025-03-17.

Conditions:
Nephronophthisis. Also called: Juvenile Nephronophthisis. Identifiers: Orphanet 655, MedGen C0687120, MONDO:0019005, HP:0000090.
Retinal dystrophy. Also called: Inherited retinal dystrophy. Identifiers: Orphanet 71862, MedGen C0854723, MeSH D058499, MONDO:0019118, HP:0000556.

Submissions (2):

Labcorp Genetics (formerly Invitae), Labcorp
Classification: Uncertain significance for Nephronophthisis. Last evaluated: 2025-03-17. Review status: criteria provided, single submitter. Criteria: Invitae Variant Classification Sherloc (09022015). Collection method: clinical testing. Allele origin: germline.
Comment: This sequence change replaces isoleucine, which is neutral and non-polar, with valine, which is neutral and non-polar, at codon 1408 of the NPHP4 protein (p.Ile1408Val). This variant is not present in population databases (gnomAD no frequency). This variant has not been reported in the literature in individuals affected with NPHP4-related conditions. ClinVar contains an entry for this variant (Variation ID: 1018258). Invitae Evidence Modeling of protein sequence and biophysical properties (such as structural, functional, and spatial information, amino acid conservation, physicochemical variation, residue mobility, and thermodynamic stability) indicates that this missense variant is not expected to disrupt NPHP4 protein function with a negative predictive value of 80%. In summary, the available evidence is currently insufficient to determine the role of this variant in disease. Therefore, it has been classified as a Variant of Uncertain Significance.

Institute of Human Genetics, Univ. Regensburg, Univ. Regensburg
Classification: Uncertain significance for Retinal dystrophy. Last evaluated: 2022-01-01. Review status: no assertion criteria provided. Criteria: ACMG Guidelines, 2015. Collection method: clinical testing. Allele origin: germline. Affected: yes. Not counted in ClinVar's aggregate classification.

NM_015102.5(NPHP4):c.4222A>G (p.Ile1408Val)

Gene: NPHP4 (nephrocystin 4; minus strand). Cytogenetic location: 1p36.31.
Variant type: single nucleotide variant.
Coding change: c.4222A>G on transcript NM_015102.5 (MANE Select); coding-DNA position 4222, A replaced by G.
Protein change: p.Ile1408Val; replaces isoleucine 1408 with valine.
Molecular consequence: missense variant. On other transcripts: non-coding transcript variant (1).
Genome position (GRCh38, 1-based): chr1:5,863,324, T>C on the plus strand (A>G on the coding strand, the complement: NPHP4 is on the minus strand). VCF-style: chr1-5863324-T-C. GRCh37 (hg19) VCF-style: chr1-5923384-T-C.
Other names: c.2683A>G, p.Ile895Val (NM_001291593.2); c.2686A>G, p.Ile896Val (NM_001291594.2); short protein forms I1408V, I895V, I896V.
Identifiers: ClinVar variation 1018258 (VCV001018258.6), dbSNP rs1640827027, ClinGen allele CA338047499.
Genomic context (GRCh38, chr1:5,863,324, plus strand): 5'-CTCACTGGTAGATGACCTTCACGCAAAATGCCTCTTCGTTTTTGTCCTCATGGTCATTGA[T>C]GTAGATCAGGATCTCCTCCTCACCCACTCTCTGACTAGGCGCAAACTGCAAGCCGATGGT-3'
Protein context (NP_055917.1, residues 1398-1418): RVGEEEILIY[Ile1408Val]NDHEDKNEEA